The following is an entry in ClinVar:

NM_000525.4(KCNJ11):c.-37C>T

Gene: KCNJ11 (potassium inwardly rectifying channel subfamily J member 11; minus strand). Cytogenetic location: 11p15.1.
Variant type: single nucleotide variant.
Coding change: c.-37C>T on transcript NM_000525.4 (MANE Select); 37 bases upstream of the start codon, C replaced by T.
Molecular consequence: 5 prime UTR variant. On other transcripts: intron variant (3).
Genome position (GRCh38, 1-based): chr11:17,388,128, G>A on the plus strand (C>T on the coding strand, the complement: KCNJ11 is on the minus strand). VCF-style: chr11-17388128-G-A. GRCh37 (hg19) VCF-style: chr11-17409675-G-A.
Other names: c.-16-282C>T (NM_001166290.2, NM_001377297.1); c.-75-52C>T (NM_001377296.1).
Identifiers: ClinVar variation 879326 (VCV000879326.5), dbSNP rs753392628, ClinGen allele CA5902357.

ClinVar aggregate classification (germline): Uncertain significance. Review status: criteria provided, multiple submitters, no conflicts (2 of 4 stars). 4 submissions from 2 submitters: Uncertain significance (4). Last evaluated 2018-01-13.

Conditions:
Maturity-onset diabetes of the young type 13. Also called: MODY, TYPE 13. Identifiers: Orphanet 552, MedGen C4225365, MONDO:0014589, OMIM 616329.
Maturity-onset diabetes of the young (MODY). Also called: Maturity onset diabetes mellitus in young. Identifiers: Orphanet 552, MedGen C0342276, MONDO:0018911, HP:0004904.
Diabetes mellitus, transient neonatal, 3 (TNDM3). Identifiers: Orphanet 99886, MedGen C1864623, MONDO:0012522, OMIM 610582. Disease mechanism: loss of function.
Hyperinsulinemic hypoglycemia, familial, 2. Also called: HYPERINSULINEMIC HYPOGLYCEMIA, PERSISTENT; HYPERINSULINISM, NEONATAL. Identifiers: Orphanet 276580, Orphanet 276603, MedGen C2931833, MONDO:0011153, OMIM 601820. Disease mechanism: loss of function.

Allele frequency attached by ClinVar (database versions not stated): ExAC 0.00001; gnomAD 0.00001; gnomAD exomes 0.00001; TOPMed 0.00001.
gnomAD v4.1: 15 of 1,592,958 alleles (0.00094%); highest among the groups gnomAD compares: Admixed American, 0.0017%; no homozygotes.

Submissions (4):

Illumina Laboratory Services, Illumina
Classification: Uncertain significance for Diabetes mellitus, transient neonatal, 3. Last evaluated: 2018-01-13. Review status: criteria provided, single submitter. Criteria: ICSL Variant Classification Criteria 13 December 2019. Collection method: clinical testing. Allele origin: germline.

Illumina Laboratory Services, Illumina
Classification: Uncertain significance for Hyperinsulinemic hypoglycemia, familial, 2. Last evaluated: 2018-01-13. Review status: criteria provided, single submitter. Criteria: ICSL Variant Classification Criteria 13 December 2019. Collection method: clinical testing. Allele origin: germline.

Illumina Laboratory Services, Illumina
Classification: Uncertain significance for Maturity-onset diabetes of the young type 13. Last evaluated: 2018-01-13. Review status: criteria provided, single submitter. Criteria: ICSL Variant Classification Criteria 13 December 2019. Collection method: clinical testing. Allele origin: germline.

Clinical Genomics, Uppaluri K&H Personalized Medicine Clinic
Classification: Uncertain significance for Maturity-onset diabetes of the young. Review status: criteria provided, single submitter. Criteria: K&H Uppaluri Personalized Medicine Clinic Variant Classification & Assertion Criteria. Collection method: research. Allele origin: unknown. Inheritance: Autosomal dominant inheritance.
Comment: Mutations in KCNJ11 gene can cause decreased production and secretion of insulin. This can lead to MODY which may be responsive to oral sulfonylureas. It is also associated with with Neonatal Diabetes. However, no sufficient evidence is found to ascertain the role of rs753392628 variant in MODY yet.

Literature cited by the submitters: PubMed 26448950 (cited by Clinical Genomics, Uppaluri K&H Personalized Medicine Clinic); PubMed 15580558 (cited by Clinical Genomics, Uppaluri K&H Personalized Medicine Clinic); PubMed 15718250 (cited by Clinical Genomics, Uppaluri K&H Personalized Medicine Clinic); PubMed 32935446 (cited by Clinical Genomics, Uppaluri K&H Personalized Medicine Clinic); PubMed 22701567 (cited by Clinical Genomics, Uppaluri K&H Personalized Medicine Clinic).